The following is an entry in ClinVar:

ClinVar aggregate classification (germline): Uncertain significance (1 of 4 stars; one submission).

Conditions:
Emery-Dreifuss muscular dystrophy 4, autosomal dominant (EDMD4). Also called: EMERY-DREIFUSS MUSCULAR DYSTROPHY 4 WITH VARIABLE FEATURES. Identifiers: Orphanet 261, MedGen C2751807, MONDO:0013071, OMIM 612998.
Autosomal recessive ataxia, Beauce type. Also called: SYNE1 Deficiency; Spinocerebellar ataxia, autosomal recessive 8; ATAXIA, RECESSIVE, OF BEAUCE; SYNE1-Related Autosomal Recessive Cerebellar Ataxia. Identifiers: Orphanet 88644, MedGen C1853116, MONDO:0012549, OMIM 610743.

Submission:

Labcorp Genetics (formerly Invitae), Labcorp
Classification: Uncertain significance for Emery-Dreifuss muscular dystrophy 4, autosomal dominant; Autosomal recessive ataxia, Beauce type. Last evaluated: 2022-05-12. Review status: criteria provided, single submitter. Criteria: Invitae Variant Classification Sherloc (09022015). Collection method: clinical testing. Allele origin: germline.
Comment: In summary, the available evidence is currently insufficient to determine the role of this variant in disease. Therefore, it has been classified as a Variant of Uncertain Significance. Algorithms developed to predict the effect of missense changes on protein structure and function are either unavailable or do not agree on the potential impact of this missense change (SIFT: "Deleterious"; PolyPhen-2: "Benign"; Align-GVGD: "Class C0"). This variant has not been reported in the literature in individuals affected with SYNE1-related conditions. This variant is not present in population databases (gnomAD no frequency). This sequence change replaces asparagine, which is neutral and polar, with histidine, which is basic and polar, at codon 603 of the SYNE1 protein (p.Asn603His).

NM_182961.4(SYNE1):c.1786A>C (p.Asn596His)

Gene: SYNE1 (spectrin repeat containing nuclear envelope protein 1; minus strand). Cytogenetic location: 6q25.2.
Variant type: single nucleotide variant.
Coding change: c.1786A>C on transcript NM_182961.4 (MANE Select); coding-DNA position 1786, A replaced by C.
Protein change: p.Asn596His; replaces asparagine 596 with histidine.
Molecular consequence: missense variant.
Genome position (GRCh38, 1-based): chr6:152,465,404, T>G on the plus strand (A>C on the coding strand, the complement: SYNE1 is on the minus strand). VCF-style: chr6-152465404-T-G. GRCh37 (hg19) VCF-style: chr6-152786539-T-G.
Other names: c.1807A>C, p.Asn603His (NM_033071.5); short protein forms N603H, N596H.
Identifiers: ClinVar variation 1955427 (VCV001955427.5), dbSNP rs2098758308, ClinGen allele CA366127892.
Genomic context (GRCh38, chr6:152,465,404, plus strand): 5'-CCCAGTTAGAGATCACTTCTTCCAGCATGCTCCTCACACTCCTCACTTCTACTGAGAGAT[T>G]CCTCCACTGAGCGGTGGTTTCATTCATGAATTTCATCACATTCTCAGCTTCTTCCACTGA-3'
Protein context (NP_892006.3, residues 586-606): FMNETTAQWR[Asn596His]LSVEVRSVRS